The following is an entry in ClinVar:

NM_006269.2(RP1):c.2933T>C (p.Ile978Thr)

Gene: RP1 (RP1 axonemal microtubule associated; plus strand). Cytogenetic location: 8q12.1.
Variant type: single nucleotide variant.
Coding change: c.2933T>C on transcript NM_006269.2 (MANE Select); coding-DNA position 2933, T replaced by C.
Protein change: p.Ile978Thr; replaces isoleucine 978 with threonine.
Molecular consequence: missense variant. On other transcripts: intron variant (1).
Genome position (GRCh38, 1-based): chr8:54,626,815, T>C. VCF-style: chr8-54626815-T-C. GRCh37 (hg19) VCF-style: chr8-55539375-T-C.
Other names: c.787+4527T>C (NM_001375654.1); short protein forms I978T.
Identifiers: ClinVar variation 1387636 (VCV001387636.8), dbSNP rs759501646, ClinGen allele CA4751610.
Genomic context (GRCh38, chr8:54,626,815, plus strand): 5'-ATACAAATTCTGGAAAAATAAGTAATTTTGTTATGGAAAGTAATAAGCACATAACTAAAA[T>C]TGCCGGTTTGACAGGAGATAATCTATGTAAAGAGGGAGATAAGTCTTTTATTGCCAATGA-3'
Protein context (NP_006260.1, residues 968-988): VMESNKHITK[Ile978Thr]AGLTGDNLCK

ClinVar aggregate classification (germline): Uncertain significance (1 of 4 stars; one submission).

Allele frequency attached by ClinVar (database versions not stated): gnomAD 0.00001; ExAC 0.00002; TOPMed 0.00002; gnomAD exomes 0.00003.
gnomAD v4.1: 10 of 1,613,712 alleles (0.00062%); highest among the groups gnomAD compares: Admixed American, 0.017%; no homozygotes.

Submission:

Labcorp Genetics (formerly Invitae), Labcorp
Classification: Uncertain significance. Last evaluated: 2024-11-05. Review status: criteria provided, single submitter. Criteria: Invitae Variant Classification Sherloc (09022015). Collection method: clinical testing. Allele origin: germline.
Comment: This sequence change replaces isoleucine, which is neutral and non-polar, with threonine, which is neutral and polar, at codon 978 of the RP1 protein (p.Ile978Thr). This variant is present in population databases (rs759501646, gnomAD 0.03%). This variant has not been reported in the literature in individuals affected with RP1-related conditions. ClinVar contains an entry for this variant (Variation ID: 1387636). An algorithm developed to predict the effect of missense changes on protein structure and function (PolyPhen-2) suggests that this variant is likely to be tolerated. In summary, the available evidence is currently insufficient to determine the role of this variant in disease. Therefore, it has been classified as a Variant of Uncertain Significance.